The following is an entry in ClinVar:

NM_006231.4(POLE):c.3251C>T (p.Pro1084Leu)

Gene: POLE (DNA polymerase epsilon, catalytic subunit; minus strand). Cytogenetic location: 12q24.33.
Variant type: single nucleotide variant.
Coding change: c.3251C>T on transcript NM_006231.4 (MANE Select); coding-DNA position 3251, C replaced by T.
Protein change: p.Pro1084Leu; replaces proline 1084 with leucine.
Molecular consequence: missense variant.
Genome position (GRCh38, 1-based): chr12:132,659,319, G>A on the plus strand (C>T on the coding strand, the complement: POLE is on the minus strand). VCF-style: chr12-132659319-G-A. GRCh37 (hg19) VCF-style: chr12-133235905-G-A.
Other names: c.3251C>T (NM_006231.2); short protein forms P1084L.
Identifiers: ClinVar variation 1015131 (VCV001015131.10), dbSNP rs2042627358, ClinGen allele CA387390331.
Genomic context (GRCh38, chr12:132,659,319, plus strand): 5'-GAGCCCTCACCTCTCCGTGATGGGGGGAGCCCTCACCTCTCCGTGACAGGGGAGCCCTCG[G>A]GCTTGCGGGAGATGATGTAGCGGCAACTCAGCCCTGCATCCTTGACCATCTGGTCTCCCA-3'
Protein context (NP_006222.2, residues 1074-1094): LSCRYIISRK[Pro1084Leu]EGSPVTERAI

ClinVar aggregate classification (germline): Uncertain significance. Review status: criteria provided, multiple submitters, no conflicts (2 of 4 stars). 2 submissions from 2 submitters: Uncertain significance (2). Last evaluated 2025-05-24.

Conditions:
Hereditary cancer-predisposing syndrome. Also called: Hereditary Cancer Syndrome; Tumor predisposition; Neoplastic Syndromes, Hereditary; Hereditary neoplastic syndrome. Identifiers: Orphanet 140162, MedGen C0027672, MeSH D009386, MONDO:0015356.

Submissions (2):

Ambry Genetics
Classification: Uncertain significance for Hereditary cancer-predisposing syndrome. Last evaluated: 2025-05-24. Review status: criteria provided, single submitter. Criteria: Ambry Variant Classification Scheme 2023. Collection method: clinical testing. Allele origin: germline.
Comment: The p.P1084L variant (also known as c.3251C>T), located in coding exon 26 of the POLE gene, results from a C to T substitution at nucleotide position 3251. The proline at codon 1084 is replaced by leucine, an amino acid with similar properties. This amino acid position is conserved. In addition, this alteration is predicted to be deleterious by in silico analysis. Based on the available evidence, the clinical significance of this variant remains unclear.

Labcorp Genetics (formerly Invitae), Labcorp
Classification: Uncertain significance. Last evaluated: 2020-02-25. Review status: criteria provided, single submitter. Criteria: Invitae Variant Classification Sherloc (09022015). Collection method: clinical testing. Allele origin: germline.
Comment: In summary, the available evidence is currently insufficient to determine the role of this variant in disease. Therefore, it has been classified as a Variant of Uncertain Significance. Algorithms developed to predict the effect of missense changes on protein structure and function (SIFT, PolyPhen-2, Align-GVGD) all suggest that this variant is likely to be disruptive, but these predictions have not been confirmed by published functional studies and their clinical significance is uncertain. This variant has not been reported in the literature in individuals with POLE-related conditions. This variant is not present in population databases (ExAC no frequency). This sequence change replaces proline with leucine at codon 1084 of the POLE protein (p.Pro1084Leu). The proline residue is highly conserved and there is a moderate physicochemical difference between proline and leucine.